The following is an entry in ClinVar:

ClinVar aggregate classification (germline): Uncertain significance. Review status: criteria provided, multiple submitters, no conflicts (2 of 4 stars). 2 submissions from 2 submitters: Uncertain significance (2). Last evaluated 2026-05-05.

Conditions:
SEMA3C-related disorder. Also called: SEMA3C-related condition.

gnomAD v4.1: 7 of 1,613,518 alleles (0.00043%); highest among the groups gnomAD compares: Admixed American, 0.0033%; no homozygotes.

Submissions (2):

PreventionGenetics, part of Exact Sciences
Classification: Uncertain significance for SEMA3C-related condition. Last evaluated: 2026-05-05. Review status: criteria provided, single submitter. Criteria: ACMG Guidelines, 2015. Collection method: clinical testing. Allele origin: germline.
Comment: The SEMA3C c.1677A>T variant is predicted to result in the amino acid substitution p.Arg559Ser. To our knowledge, this variant has not been reported in the literature or in a large population database (gnomAD), indicating this variant is rare. At this time, the clinical significance of this variant is uncertain due to the absence of conclusive functional and genetic evidence.

Ambry Genetics
Classification: Uncertain significance. Last evaluated: 2025-11-06. Review status: criteria provided, single submitter. Criteria: Ambry Variant Classification Scheme 2023. Collection method: clinical testing. Allele origin: germline.

NM_006379.5(SEMA3C):c.1623A>T (p.Arg541Ser)

Gene: SEMA3C (semaphorin 3C; minus strand). Cytogenetic location: 7q21.11.
Variant type: single nucleotide variant.
Coding change: c.1623A>T on transcript NM_006379.5 (MANE Select); coding-DNA position 1623, A replaced by T.
Protein change: p.Arg541Ser; replaces arginine 541 with serine.
Molecular consequence: missense variant.
Genome position (GRCh38, 1-based): chr7:80,758,351, T>A on the plus strand (A>T on the coding strand, the complement: SEMA3C is on the minus strand). VCF-style: chr7-80758351-T-A. GRCh37 (hg19) VCF-style: chr7-80387667-T-A.
Other names: c.1677A>T (NM_001350120.1); c.1677A>T, p.Arg559Ser (NM_001350120.2); c.1449A>T, p.Arg483Ser (NM_001350121.2); short protein forms R559S, R483S, R541S.
Identifiers: ClinVar variation 4582144 (VCV004582144.2).
Genomic context (GRCh38, chr7:80,758,351, plus strand): 5'-GTCCTACATTTGGATGTTGAGCCGAGTGTTTAGTGCTCACCGTTTCCCAGTTGGGTAGAA[T>A]CTGGAACAGGAATGGCCATCCCAGGCGCAATAAGGGTCCCGCGCCAGGCAGCAGTCAGCA-3'
Protein context (NP_006370.1, residues 531-551): YCAWDGHSCS[Arg541Ser]FYPTGKRRSR